The following is an entry in ClinVar:

NM_025137.4(SPG11):c.3280G>T (p.Gly1094Cys)

Gene: SPG11 (SPG11 vesicle trafficking associated, spatacsin; minus strand). Cytogenetic location: 15q21.1.
Variant type: single nucleotide variant.
Coding change: c.3280G>T on transcript NM_025137.4 (MANE Select); coding-DNA position 3280, G replaced by T.
Protein change: p.Gly1094Cys; replaces glycine 1094 with cysteine.
Molecular consequence: missense variant.
Genome position (GRCh38, 1-based): chr15:44,610,851, C>A on the plus strand (G>T on the coding strand, the complement: SPG11 is on the minus strand). VCF-style: chr15-44610851-C-A. GRCh37 (hg19) VCF-style: chr15-44903049-C-A.
Other names: c.3280G>T, p.Gly1094Cys (NM_001160227.2); short protein forms G1094C.
Identifiers: ClinVar variation 845795 (VCV000845795.1), dbSNP rs1349552147, ClinGen allele CA392226338.

ClinVar aggregate classification (germline): Uncertain significance (1 of 4 stars; one submission).

Conditions:
Hereditary spastic paraplegia 11. Also called: Spastic paraplegia, mental retardation and thin corpus callosum; Nakamura Osame syndrome; Autosomal recessive hereditary spastic paraplegia, mental impairment, and thin corpus callosum; SPASTIC PARAPLEGIA, AUTOSOMAL RECESSIVE, COMPLICATED, WITH THIN CORPUS CALLOSUM; SPASTIC PARAPLEGIA, AUTOSOMAL RECESSIVE, WITH MENTAL IMPAIRMENT AND THIN CORPUS CALLOSUM; Spastic Paraplegia 11. Identifiers: Orphanet 2822, MedGen C1858479, MONDO:0011445, OMIM 604360.

Allele frequency attached by ClinVar (database versions not stated): gnomAD exomes 0.00001.
gnomAD v4.1: 7 of 1,613,732 alleles (0.00043%); highest among the groups gnomAD compares: Non-Finnish European, 0.00059%; no homozygotes.

Submission:

Labcorp Genetics (formerly Invitae), Labcorp
Classification: Uncertain significance for Spastic paraplegia 11, autosomal recessive. Last evaluated: 2019-12-30. Review status: criteria provided, single submitter. Criteria: Invitae Variant Classification Sherloc (09022015). Collection method: clinical testing. Allele origin: germline.
Comment: This sequence change replaces glycine with cysteine at codon 1094 of the SPG11 protein (p.Gly1094Cys). The glycine residue is highly conserved and there is a large physicochemical difference between glycine and cysteine. This variant is not present in population databases (ExAC no frequency). This variant has not been reported in the literature in individuals with SPG11-related conditions. Algorithms developed to predict the effect of missense changes on protein structure and function are either unavailable or do not agree on the potential impact of this missense change (SIFT: "Deleterious"; PolyPhen-2: "Probably Damaging"; Align-GVGD: "Class C0"). Algorithms developed to predict the effect of sequence changes on RNA splicing suggest that this variant may create or strengthen a splice site, but this prediction has not been confirmed by published transcriptional studies. In summary, the available evidence is currently insufficient to determine the role of this variant in disease. Therefore, it has been classified as a Variant of Uncertain Significance.